The following is an entry in ClinVar:

ClinVar aggregate classification (germline): Benign. Review status: criteria provided, multiple submitters, no conflicts (2 of 4 stars). 5 submissions from 4 submitters: Benign (5). Last evaluated 2021-07-01.

Conditions:
Retinitis pigmentosa (RP). Identifiers: Orphanet 791, MedGen C0035334, MeSH D012174, MONDO:0019200, OMIM 268000. Inheritance: Autosomal dominant, autosomal recessive and X linked inheritance.
Usher syndrome type 2A. Also called: USHER SYNDROME, TYPE IIA; RETINAL DISEASE IN USHER SYNDROME TYPE IIA, MODIFIER OF. Identifiers: Orphanet 231178, Orphanet 886, MedGen C1848634, MONDO:0010169, OMIM 276901.

Allele frequency attached by ClinVar (database versions not stated): 1000 Genomes Project 0.03494; 1000 Genomes Project 30x 0.03592; TOPMed 0.04740; gnomAD 0.05054 and 0.05087.
gnomAD v4.1: 92,652 of 1,493,570 alleles (6.2%); highest among the groups gnomAD compares: Middle Eastern, 9.3%; 3,204 homozygotes.

Submissions (5):

Genome-Nilou Lab
Classification: Benign for Usher syndrome type 2A. Last evaluated: 2021-07-01. Review status: criteria provided, single submitter. Criteria: ACMG Guidelines, 2015. Collection method: clinical testing. Allele origin: germline. Affected: no.

GeneDx
Classification: Benign. Last evaluated: 2018-11-05. Review status: criteria provided, single submitter. Criteria: GeneDx Variant Classification Process June 2021. Collection method: clinical testing. Allele origin: germline. Affected: yes.

Illumina Laboratory Services, Illumina
Classification: Benign for Retinitis pigmentosa. Last evaluated: 2018-01-13. Review status: criteria provided, single submitter. Criteria: ICSL Variant Classification Criteria 13 December 2019. Collection method: clinical testing. Allele origin: germline.
Comment: This variant was observed in the ICSL laboratory as part of a predisposition screen in an ostensibly healthy population. It had not been previously curated by ICSL or reported in the Human Gene Mutation Database (HGMD: prior to June 1st, 2018), and was therefore a candidate for classification through an automated scoring system. Utilizing variant allele frequency, disease prevalence and penetrance estimates, and inheritance mode, an automated score was calculated to assess if this variant is too frequent to cause the disease. Based on the score and internal cut-off values, a variant classified as benign is not then subjected to further curation. The score for this variant resulted in a classification of benign for this disease.

Illumina Laboratory Services, Illumina
Classification: Benign for Usher syndrome type 2A. Last evaluated: 2018-01-13. Review status: criteria provided, single submitter. Criteria: ICSL Variant Classification Criteria 13 December 2019. Collection method: clinical testing. Allele origin: germline.
Comment: the same text as in the submission from Illumina Laboratory Services, Illumina above.

Breakthrough Genomics
Classification: Benign. Review status: criteria provided, single submitter. Criteria: ACMG Guidelines, 2015. Collection method: not provided. Allele origin: germline. Inheritance: Autosomal recessive inheritance. Affected: yes.

NM_206933.4(USH2A):c.4627+145T>G

Gene: USH2A (usherin; minus strand). Cytogenetic location: 1q41.
Variant type: single nucleotide variant.
Coding change: c.4627+145T>G on transcript NM_206933.4 (MANE Select); 145 bases into the intron after coding-DNA position 4627, T replaced by G.
Molecular consequence: intron variant. On other transcripts: 3 prime UTR variant (1).
Genome position (GRCh38, 1-based): chr1:216,175,107, A>C on the plus strand (T>G on the coding strand, the complement: USH2A is on the minus strand). VCF-style: chr1-216175107-A-C. GRCh37 (hg19) VCF-style: chr1-216348449-A-C.
Other names: c.*131T>G (NM_007123.6).
Identifiers: ClinVar variation 295421 (VCV000295421.11), dbSNP rs55761862, ClinGen allele CA10609049.